The following is an entry in ClinVar:

NM_000135.4(FANCA):c.3371G>A (p.Gly1124Asp)

Genes: FANCA (FA complementation group A; minus strand), LOC132090450 (Neanderthal introgressed variant-containing enhancer experimental_46718; plus strand). Cytogenetic location: 16q24.3.
Variant type: single nucleotide variant.
Coding change: c.3371G>A on transcript NM_000135.4 (MANE Select); coding-DNA position 3371, G replaced by A.
Protein change: p.Gly1124Asp; replaces glycine 1124 with aspartic acid.
Molecular consequence: missense variant.
Genome position (GRCh38, 1-based): chr16:89,746,868, C>T on the plus strand (G>A on the coding strand, the complement: FANCA is on the minus strand). VCF-style: chr16-89746868-C-T. GRCh37 (hg19) VCF-style: chr16-89813276-C-T.
Other names: c.3371G>A, p.Gly1124Asp (NM_001286167.3); short protein forms G1124D.
Identifiers: ClinVar variation 3848149 (VCV003848149.1).
Genomic context (GRCh38, chr16:89,746,868, plus strand): 5'-GAGGGGCTGAGGGAGCATCTCACCCTGAAGAAGTGGGCAGTGATGTCCTGTGTCAGGGCA[C>T]CTCCGTGGGAGCAGAAGTTTCTCTGCAAAAGAGTTCAAGGCAGGTAAGAAAAGCCCACAG-3'
Protein context (NP_000126.2, residues 1114-1134): SEMRNFCSHG[Gly1124Asp]ALTQDITAHF

ClinVar aggregate classification (germline): Uncertain significance (1 of 4 stars; one submission).

Conditions:
Inborn genetic diseases. Identifiers: MedGen C0950123, MeSH D030342.

gnomAD v4.1: 2 of 1,560,330 alleles (0.00013%); highest among the groups gnomAD compares: South Asian, 0.0012%; no homozygotes.

Submission:

Ambry Genetics
Classification: Uncertain significance for Inborn genetic diseases. Last evaluated: 2025-01-27. Review status: criteria provided, single submitter. Criteria: Ambry Variant Classification Scheme 2023. Collection method: clinical testing. Allele origin: germline.
Comment: The p.G1124D variant (also known as c.3371G>A), located in coding exon 34 of the FANCA gene, results from a G to A substitution at nucleotide position 3371. The glycine at codon 1124 is replaced by aspartic acid, an amino acid with similar properties. This amino acid position is conserved. In addition, the in silico prediction for this alteration is inconclusive. Based on the available evidence, the clinical significance of this variant remains unclear.